The following is an entry in ClinVar:

ClinVar aggregate classification (germline): Uncertain significance (1 of 4 stars; one submission).

Conditions:
Glucose-6-phosphate transport defect (GSD1B). Also called: Glycogen Storage Disease Type Ib; GSD Ib. Identifiers: Orphanet 364, Orphanet 79259, MedGen C0268146, MONDO:0009288, OMIM 232220.

Submission:

Labcorp Genetics (formerly Invitae), Labcorp
Classification: Uncertain significance for Glucose-6-phosphate transport defect. Last evaluated: 2024-08-14. Review status: criteria provided, single submitter. Criteria: Invitae Variant Classification Sherloc (09022015). Collection method: clinical testing. Allele origin: germline.
Comment: This sequence change replaces serine, which is neutral and polar, with alanine, which is neutral and non-polar, at codon 98 of the SLC37A4 protein (p.Ser98Ala). This variant is present in population databases (rs375417499, gnomAD 0.002%). This variant has not been reported in the literature in individuals affected with SLC37A4-related conditions. Invitae Evidence Modeling of protein sequence and biophysical properties (such as structural, functional, and spatial information, amino acid conservation, physicochemical variation, residue mobility, and thermodynamic stability) indicates that this missense variant is not expected to disrupt SLC37A4 protein function with a negative predictive value of 80%. In summary, the available evidence is currently insufficient to determine the role of this variant in disease. Therefore, it has been classified as a Variant of Uncertain Significance.

NM_001164277.2(SLC37A4):c.292T>G (p.Ser98Ala)

Gene: SLC37A4 (solute carrier family 37 member 4; minus strand). Cytogenetic location: 11q23.3.
Variant type: single nucleotide variant.
Coding change: c.292T>G on transcript NM_001164277.2 (MANE Select); coding-DNA position 292, T replaced by G.
Protein change: p.Ser98Ala; replaces serine 98 with alanine.
Molecular consequence: missense variant.
Genome position (GRCh38, 1-based): chr11:119,028,283, A>C on the plus strand (T>G on the coding strand, the complement: SLC37A4 is on the minus strand). VCF-style: chr11-119028283-A-C. GRCh37 (hg19) VCF-style: chr11-118898993-A-C.
Other names: c.292T>G, p.Ser98Ala (NM_001164278.2, NM_001164280.2, NM_001467.6); c.73T>G, p.Ser25Ala (NM_001164279.2); short protein forms S25A, S98A.
Identifiers: ClinVar variation 3718248 (VCV003718248.1).
Genomic context (GRCh38, chr11:119,028,283, plus strand): 5'-AGCCCAGCCCCTGGGCCAGGCCATTAAGGAACCAGAGGGCAGCAAAGACAGGTACTGTGG[A>C]GCTCCAGGCAAAGAATATGTTGACCAGGCCAACCAGGAGCAGCCCAGAAGAGAAGAGCCA-3'
Protein context (NP_001157749.1, residues 88-108): GLVNIFFAWS[Ser98Ala]TVPVFAALWF